The following is an entry in ClinVar:

ClinVar aggregate classification (germline): Conflicting classifications of pathogenicity. Review status: criteria provided, conflicting classifications (1 of 4 stars). 15 submissions from 13 submitters: Uncertain significance (2); Benign (8); Likely benign (2). 3 of the submissions do not count toward it. Last evaluated 2026-03-03.

Conditions:
TSC1-related disorder. Also called: TSC1-related condition.
Hereditary cancer-predisposing syndrome. Also called: Hereditary neoplastic syndrome; Tumor predisposition; Hereditary Cancer Syndrome; Neoplastic Syndromes, Hereditary. Identifiers: Orphanet 140162, MedGen C0027672, MeSH D009386, MONDO:0015356.
Tuberous sclerosis syndrome (TSC). Also called: Tuberous Sclerosis Complex; Tuberous sclerosis. Identifiers: Orphanet 805, MedGen C0041341, MONDO:0001734.
Isolated focal cortical dysplasia type II (FCORD2). Also called: CORTICAL DYSPLASIA OF TAYLOR; Focal cortical dysplasia type II. Identifiers: Orphanet 268994, MedGen C1846385, MONDO:0011818, OMIM 607341, HP:0032051.
Malignant tumor of urinary bladder. Also called: Bladder cancer; Urinary bladder cancer; Urinary Bladder Neoplasms. Identifiers: MedGen C0005684, MONDO:0001187, OMIM 109800.
Tuberous sclerosis 1 (TSC1). Identifiers: Orphanet 805, MedGen C1854465, MONDO:0008612, OMIM 191100.

Allele frequency attached by ClinVar (database versions not stated): ExAC 0.00004; TOPMed 0.00002; gnomAD 0.00005 and 0.00001; 1000 Genomes Project 0.00080; 1000 Genomes Project 30x 0.00062.
gnomAD v4.1: 192 of 1,614,104 alleles (0.012%); highest among the groups gnomAD compares: East Asian, 0.42%; no homozygotes.

Submissions (15):

Myriad Genetics, Inc.
Classification: Benign for Tuberous sclerosis 1. Last evaluated: 2026-03-03. Review status: criteria provided, single submitter. Criteria: Myriad Autosomal Dominant, Autosomal Recessive and X-Linked Classification Criteria (2023). Collection method: clinical testing. Allele origin: unknown.
Comment: This variant is considered benign. This variant has been observed at a population frequency that is significantly greater than expected given the associated disease prevalence and penetrance. Homozygosity has been confirmed in one or more individuals. As homozygosity for pathogenic variants in this gene is generally assumed to result in embryonic lethality, this variant is unlikely to be pathogenic.

Labcorp Genetics (formerly Invitae), Labcorp
Classification: Benign for Tuberous sclerosis 1. Last evaluated: 2025-12-24. Review status: criteria provided, single submitter. Criteria: Invitae Variant Classification Sherloc (09022015). Collection method: clinical testing. Allele origin: germline.

Women's Health and Genetics/Laboratory Corporation of America, LabCorp
Classification: Benign. Last evaluated: 2025-02-27. Review status: criteria provided, single submitter. Criteria: LabCorp Variant Classification Summary - May 2015. Collection method: clinical testing. Allele origin: germline.
Comment: Variant summary: TSC1 c.1250C>T (p.Thr417Ile) results in a non-conservative amino acid change in the encoded protein sequence. Three of five in-silico tools predict a benign effect of the variant on protein function. The variant allele was found at a frequency of 0.00012 in 1607130 control chromosomes, predominantly at a frequency of 0.0042 within the East Asian subpopulation in the gnomAD database. The observed variant frequency within East Asian control individuals in the gnomAD database is approximately 170-fold of the estimated maximal expected allele frequency for a pathogenic variant in TSC1 causing Tuberous Sclerosis Complex phenotype (2.5e-05). In addition, the variant was reported in some East Asian subpopulations with an even higher allele frequency, e.g. in the Japanese, with an allele frequency of 0.0082 (i.e. 989 / 119880 alleles), including 4 homozygotes (in the jMorp database; PMID: 33179747), suggesting that the variant is a benign polymorphism. This variant has been ascertained in HGMD, however comments suggest non-supporting evidence for pathogenic role. Publications also reported experimental evidence evaluating an impact on protein function and demonstrated no damaging effect of this variant (e.g. Pymar_2008). The following publication have been ascertained in the context of this evaluation (PMID: 18397877). ClinVar contains an entry for this variant (Variation ID: 48752). Based on the evidence outlined above, the variant was classified as benign.

Athena Diagnostics
Classification: Benign. Last evaluated: 2024-02-01. Review status: criteria provided, single submitter. Criteria: Athena Diagnostics Criteria. Collection method: clinical testing. Allele origin: unknown.

Color Diagnostics, LLC DBA Color Health
Classification: Benign for Tuberous sclerosis syndrome. Last evaluated: 2022-07-28. Review status: criteria provided, single submitter. Criteria: ACMG Guidelines, 2015. Collection method: clinical testing. Allele origin: germline.

Genome-Nilou Lab
Classification: Benign for Tuberous sclerosis 1. Last evaluated: 2021-11-07. Review status: criteria provided, single submitter. Criteria: ACMG Guidelines, 2015. Collection method: clinical testing. Allele origin: germline. Affected: no.

Mendelics
Classification: Uncertain significance for Tuberous sclerosis 1. Last evaluated: 2019-05-28. Review status: criteria provided, single submitter. Criteria: Mendelics Assertion Criteria 2017. Collection method: clinical testing. Allele origin: unknown.

Ambry Genetics
Classification: Likely benign for Hereditary cancer-predisposing syndrome. Last evaluated: 2018-07-27. Review status: criteria provided, single submitter. Criteria: Ambry Variant Classification Scheme 2023. Collection method: clinical testing. Allele origin: germline.

Illumina Laboratory Services, Illumina
Classification: Benign for Isolated focal cortical dysplasia type II. Last evaluated: 2017-04-27. Review status: criteria provided, single submitter. Criteria: ICSL Variant Classification Criteria 13 December 2019. Collection method: clinical testing. Allele origin: germline.
Comment: This variant was observed as part of a predisposition screen in an ostensibly healthy population. A literature search was performed for the gene, cDNA change, and amino acid change (where applicable). No publications were found based on this search. Allele frequency data from public databases was too high to be consistent with this variant causing disease. Therefore, this variant is classified as benign.

Illumina Laboratory Services, Illumina
Classification: Benign for Tuberous sclerosis 1. Last evaluated: 2017-04-27. Review status: criteria provided, single submitter. Criteria: ICSL Variant Classification Criteria 13 December 2019. Collection method: clinical testing. Allele origin: germline.
Comment: This variant was observed as part of a predisposition screen in an ostensibly healthy population. A literature search was performed for the gene, cDNA change, and amino acid change (where applicable). Publications were found based on this search. The evidence from the literature, in combination with allele frequency data from public databases where available, was sufficient to rule this variant out of causing disease. Therefore, this variant is classified as benign.

Laboratory for Molecular Medicine, Mass General Brigham Personalized Medicine
Classification: Uncertain significance. Last evaluated: 2017-01-25. Review status: criteria provided, single submitter. Criteria: LMM Criteria. Collection method: clinical testing. Allele origin: germline.
Comment: Variant identified in a genome or exome case(s) and assessed due to predicted null impact of the variant or pathogenic assertions in the literature or databases. Disclaimer: This variant has not undergone full assessment. The following are preliminary notes: This variant has been reported in 4 papers in HGMD but comments suggest not pathogenic as it has been seen in unaffected individuals and there was no LOH in tumors of carriers. It has a Max MAF of 0.05% in ExAC (4 alleles) and 0.03% in gnomAD (6 alleles). The variant is present in ClinVar but with no classification. The variant is predicted to be benign by prediction tools. This AA is not conserved and 3 mammals have an Ile at this position.

GeneDx
Classification: Likely benign. Last evaluated: 2016-12-02. Review status: criteria provided, single submitter. Criteria: GeneDx Variant Classification (06012015). Collection method: clinical testing. Allele origin: germline. Affected: yes.
Comment: This variant is considered likely benign or benign based on one or more of the following criteria: it is a conservative change, it occurs at a poorly conserved position in the protein, it is predicted to be benign by multiple in silico algorithms, and/or has population frequency not consistent with disease.

PreventionGenetics, part of Exact Sciences
Classification: Likely benign for TSC1-related condition. Last evaluated: 2024-07-30. Review status: no assertion criteria provided. Collection method: clinical testing. Allele origin: germline. Not counted in ClinVar's aggregate classification.
Comment: This variant is classified as likely benign based on ACMG/AMP sequence variant interpretation guidelines (Richards et al. 2015 PMID: 25741868, with internal and published modifications).

Tuberous sclerosis database (TSC1)
No classification provided. Condition: TSC. Review status: no classification provided. Criteria: Tuberous Sclerosis Database Assertion Criteria 2015. Collection method: curation. Allele origin: germline. Affected: yes. Not counted in ClinVar's aggregate classification.

Tuberous sclerosis database (TSC1)
No classification provided. Condition: Bladder cancer. Review status: no classification provided. Criteria: Tuberous Sclerosis Database Assertion Criteria 2015. Collection method: curation. Allele origin: germline. Affected: yes. Not counted in ClinVar's aggregate classification.

Literature cited by the submitters: PubMed 18397877 (cited by 4 submitters); PubMed 21309039 (cited by 3 submitters); PubMed 19139070 (cited by Athena Diagnostics and Ambry Genetics); PubMed 26332594 (cited by Athena Diagnostics and Ambry Genetics); PubMed 10570911 (cited by 3 submitters); PubMed 10607950 (cited by 3 submitters); PubMed 14633685 (cited by Athena Diagnostics); PubMed 12773163 (cited by Ambry Genetics); PubMed 14551205 (cited by Illumina Laboratory Services, Illumina).

NM_000368.5(TSC1):c.1250C>T (p.Thr417Ile)

Gene: TSC1 (TSC complex subunit 1; minus strand). Cytogenetic location: 9q34.13.
Variant type: single nucleotide variant.
Coding change: c.1250C>T on transcript NM_000368.5 (MANE Select); coding-DNA position 1250, C replaced by T.
Protein change: p.Thr417Ile; replaces threonine 417 with isoleucine.
Molecular consequence: missense variant.
Genome position (GRCh38, 1-based): chr9:132,910,584, G>A on the plus strand (C>T on the coding strand, the complement: TSC1 is on the minus strand). VCF-style: chr9-132910584-G-A. GRCh37 (hg19) VCF-style: chr9-135785971-G-A.
Other names: c.1247C>T, p.Thr416Ile (NM_001162426.2); c.1097C>T, p.Thr366Ile (NM_001162427.2); c.887C>T, p.Thr296Ile (NM_001362177.2); short protein forms T417I, T296I, T366I, T416I.
Identifiers: ClinVar variation 48752 (VCV000048752.31), dbSNP rs77464996, ClinGen allele CA004523.
Genomic context (GRCh38, chr9:132,910,584, plus strand): 5'-GAGTCACTGTGCCTGGGCAGAGGGATAGCAGACGAGCTGGATCGCACCTTCCTGGGGGGT[G>A]TGACTGTGGCCTGGGGGAGTGAAATGTGCACGTAGTCATCCGAATGACAGAGTGGGGCTG-3'
Protein context (NP_000359.1, residues 407-427): VHISLPQATV[Thr417Ile]PPRKEERMDS